The following is an entry in ClinVar:

ClinVar aggregate classification (germline): Uncertain significance (1 of 4 stars; one submission).

Submission:

Labcorp Genetics (formerly Invitae), Labcorp
Classification: Uncertain significance. Last evaluated: 2022-12-15. Review status: criteria provided, single submitter. Criteria: Invitae Variant Classification Sherloc (09022015). Collection method: clinical testing. Allele origin: germline.
Comment: This sequence change replaces proline, which is neutral and non-polar, with alanine, which is neutral and non-polar, at codon 121 of the RELB protein (p.Pro121Ala). This variant is not present in population databases (gnomAD no frequency). This variant has not been reported in the literature in individuals affected with RELB-related conditions. Algorithms developed to predict the effect of missense changes on protein structure and function output the following: SIFT: "Deleterious"; PolyPhen-2: "Benign"; Align-GVGD: "Class C0". The alanine amino acid residue is found in multiple mammalian species, which suggests that this missense change does not adversely affect protein function. In summary, the available evidence is currently insufficient to determine the role of this variant in disease. Therefore, it has been classified as a Variant of Uncertain Significance.

NM_006509.4(RELB):c.361C>G (p.Pro121Ala)

Gene: RELB (RELB proto-oncogene, NF-kB subunit; plus strand). Cytogenetic location: 19q13.32.
Variant type: single nucleotide variant.
Coding change: c.361C>G on transcript NM_006509.4 (MANE Select); coding-DNA position 361, C replaced by G.
Protein change: p.Pro121Ala; replaces proline 121 with alanine.
Molecular consequence: missense variant.
Genome position (GRCh38, 1-based): chr19:45,012,133, C>G. VCF-style: chr19-45012133-C-G. GRCh37 (hg19) VCF-style: chr19-45515391-C-G.
Other names: c.352C>G, p.Pro118Ala (NM_001411087.1); short protein forms P121A, P118A.
Identifiers: ClinVar variation 2800673 (VCV002800673.3), dbSNP rs2513638370, ClinGen allele CA406322219.